The following is an entry in ClinVar:

NM_181712.5(KANK4):c.2132A>G (p.His711Arg)

Gene: KANK4 (KN motif and ankyrin repeat domains 4; minus strand). Cytogenetic location: 1p31.3.
Variant type: single nucleotide variant.
Coding change: c.2132A>G on transcript NM_181712.5 (MANE Select); coding-DNA position 2132, A replaced by G.
Protein change: p.His711Arg; replaces histidine 711 with arginine.
Molecular consequence: missense variant.
Genome position (GRCh38, 1-based): chr1:62,268,386, T>C on the plus strand (A>G on the coding strand, the complement: KANK4 is on the minus strand). VCF-style: chr1-62268386-T-C. GRCh37 (hg19) VCF-style: chr1-62734058-T-C.
Other names: c.248A>G, p.His83Arg (NM_001320269.2); short protein forms H711R, H83R.
Identifiers: ClinVar variation 2992673 (VCV002992673.3), dbSNP rs761418559, ClinGen allele CA884208.

ClinVar aggregate classification (germline): Uncertain significance (1 of 4 stars; one submission).

Allele frequency attached by ClinVar (database versions not stated): gnomAD exomes below 0.00001; ExAC 0.00001; gnomAD 0.00001; TOPMed 0.00001.
gnomAD v4.1: 3 of 1,613,970 alleles (0.00019%); highest among the groups gnomAD compares: Admixed American, 0.0033%; no homozygotes.

Submission:

Labcorp Genetics (formerly Invitae), Labcorp
Classification: Uncertain significance. Last evaluated: 2024-08-12. Review status: criteria provided, single submitter. Criteria: Invitae Variant Classification Sherloc (09022015). Collection method: clinical testing. Allele origin: germline.
Comment: This sequence change replaces histidine, which is basic and polar, with arginine, which is basic and polar, at codon 711 of the KANK4 protein (p.His711Arg). This variant is present in population databases (rs761418559, gnomAD 0.006%). This variant has not been reported in the literature in individuals affected with KANK4-related conditions. An algorithm developed to predict the effect of missense changes on protein structure and function (PolyPhen-2) suggests that this variant is likely to be tolerated. In summary, the available evidence is currently insufficient to determine the role of this variant in disease. Therefore, it has been classified as a Variant of Uncertain Significance.